The following is an entry in ClinVar:

ClinVar aggregate classification (germline): Benign (1 of 4 stars; one submission).

Conditions:
Aspartylglucosaminuria (AGU). Also called: Aspartylglucos-aminuria; Aspartylglucos-amidase (AGA) deficiency; AGA DEFICIENCY; GLYCOASPARAGINASE; GLYCOSYLASPARAGINASE DEFICIENCY. Identifiers: Orphanet 93, MedGen C0268225, MONDO:0008830, OMIM 208400, HP:0012068.

Allele frequency attached by ClinVar (database versions not stated): gnomAD 0.00124 and 0.00174; ExAC 0.00130; gnomAD exomes 0.00201 and 0.00469; TOPMed 0.00271; 1000 Genomes Project 30x 0.00906; 1000 Genomes Project 0.01078.
gnomAD v4.1: 871 of 453,952 alleles (0.19%); highest among the groups gnomAD compares: East Asian, 4.9%; 23 homozygotes.

Submission:

Illumina Laboratory Services, Illumina
Classification: Benign for Aspartylglucosaminuria. Last evaluated: 2017-04-27. Review status: criteria provided, single submitter. Criteria: ICSL Variant Classification Criteria 13 December 2019. Collection method: clinical testing. Allele origin: germline.
Comment: This variant was observed as part of a predisposition screen in an ostensibly healthy population. A literature search was performed for the gene, cDNA change, and amino acid change (where applicable). No publications were found based on this search. Allele frequency data from public databases was too high to be consistent with this variant causing disease. Therefore, this variant is classified as benign.

NM_000027.4(AGA):c.*882A>C

Gene: AGA (aspartylglucosaminidase; minus strand). Cytogenetic location: 4q34.3.
Variant type: single nucleotide variant.
Coding change: c.*882A>C on transcript NM_000027.4 (MANE Select); 882 bases downstream of the stop codon, A replaced by C.
Molecular consequence: 3 prime UTR variant. On other transcripts: non-coding transcript variant (1).
Genome position (GRCh38, 1-based): chr4:177,430,826, T>G on the plus strand (A>C on the coding strand, the complement: AGA is on the minus strand). VCF-style: chr4-177430826-T-G. GRCh37 (hg19) VCF-style: chr4-178351980-T-G.
Other names: c.*882A>C (NM_001171988.2).
Identifiers: ClinVar variation 902808 (VCV000902808.4), dbSNP rs3749479, ClinGen allele CA3146667.
Genomic context (GRCh38, chr4:177,430,826, plus strand): 5'-TTCTAAAGTTTGAATATCGTACATGTACATTTATTAATGACTGTTGATTAAAAAGATGAT[T>G]TTGAAGGAAAAATGCTGCTGAGAAAGCACGCGCACAACTTCTGTAGAGTTGTCATACAGA-3'